The following is an entry in ClinVar:

NM_014679.5(CEP57):c.1473A>C (p.Leu491Phe)

Gene: CEP57 (centrosomal protein 57; plus strand). Cytogenetic location: 11q21.
Variant type: single nucleotide variant.
Coding change: c.1473A>C on transcript NM_014679.5 (MANE Select); coding-DNA position 1473, A replaced by C.
Protein change: p.Leu491Phe; replaces leucine 491 with phenylalanine.
Molecular consequence: missense variant.
Genome position (GRCh38, 1-based): chr11:95,831,226, A>C. VCF-style: chr11-95831226-A-C. GRCh37 (hg19) VCF-style: chr11-95564390-A-C.
Other names: c.1446A>C, p.Leu482Phe (NM_001243776.2); c.1395A>C, p.Leu465Phe (NM_001243777.2); c.1392A>C, p.Leu464Phe (NM_001363604.2, NM_001440869.1, NM_001440870.1); c.1365A>C, p.Leu455Phe (NM_001440871.1); c.1356A>C, p.Leu452Phe (NM_001440872.1); c.1293A>C, p.Leu431Phe (NM_001440873.1); c.1287A>C, p.Leu429Phe (NM_001440874.1); c.1284A>C, p.Leu428Phe (NM_001440875.1); and 6 more; short protein forms L390F, L404F, L464F, L465F, L482F, L416F, L428F, L429F.
Identifiers: ClinVar variation 4842310 (VCV004842310.1).
Genomic context (GRCh38, chr11:95,831,226, plus strand): 5'-AGAAAAAAGGAGAAAAAATCTTCAGTTATTGAAGGACATGCAAAGCATACAGAATTCATT[A>C]CAAAGCAGTAGTTTGTGTTGGGATTACTGACTCATAACCAGGTCAGAAATTTTATTCAGA-3'
Protein context (NP_055494.2, residues 481-500): LKDMQSIQNS[Leu491Phe]QSSSLCWDY

ClinVar aggregate classification (germline): Uncertain significance (1 of 4 stars; one submission).

Conditions:
Inborn genetic diseases. Identifiers: MedGen C0950123, MeSH D030342.

Submission:

Ambry Genetics
Classification: Uncertain significance for Inborn genetic diseases. Last evaluated: 2025-12-18. Review status: criteria provided, single submitter. Criteria: Ambry Variant Classification Scheme 2023. Collection method: clinical testing. Allele origin: germline.
Comment: The p.L491F variant (also known as c.1473A>C), located in coding exon 11 of the CEP57 gene, results from an A to C substitution at nucleotide position 1473. The leucine at codon 491 is replaced by phenylalanine, an amino acid with highly similar properties. This amino acid position is conserved. In addition, this alteration is predicted to be tolerated by in silico analysis. Based on the available evidence, the clinical significance of this variant remains unclear.